The following is an entry in ClinVar:

ClinVar aggregate classification (germline): Likely pathogenic, low penetrance (1 of 4 stars; one submission).

Conditions:
Atypical hemolytic-uremic syndrome. Identifiers: Orphanet 2134, MedGen C2931788, MONDO:0016244.
Basal laminar drusen. Also called: DRUSEN OF BRUCH MEMBRANE; DRUSEN, CUTICULAR; DRUSEN, EARLY ADULT-ONSET, GROUPED. Identifiers: Orphanet 75376, MedGen C0730295, MONDO:0007472, OMIM 126700.
Factor H deficiency (CFHD). Also called: COMPLEMENT FACTOR H DEFICIENCY; CFH DEFICIENCY. Identifiers: Orphanet 200421, MedGen C0398777, MONDO:0012350, OMIM 609814.
Age related macular degeneration 4. Identifiers: MedGen C1853147, MONDO:0012540, OMIM 610698.

Submission:

Genomenon, Inc
Classification: Likely pathogenic, low penetrance for Basal laminar drusen; Age related macular degeneration 4; Atypical hemolytic-uremic syndrome; Factor H deficiency. Last evaluated: 2025-10-02. Review status: criteria provided, single submitter. Criteria: Genomenon Sequence Variant Interpretation Standards - Updated. Collection method: curation. Allele origin: germline. Affected: no.
Comment: CFH p.Trp1096Ter (c.3288G>A) is a nonsense variant that introduces a premature stop codon at amino acid position 1096, creating a truncated protein that is predicted to undergo nonsense-mediated mRNA decay. This variant has been reported in the published literature (PMID:36211394). It is absent or not present at a significant frequency in gnomAD. In conclusion, we classify CFH p.Trp1096Ter (c.3288G>A) as a likely pathogenic, low penetrance variant.

Literature cited by the submitters: PubMed 36211394.

NM_000186.4(CFH):c.3288G>A (p.Trp1096Ter)

Gene: CFH (complement factor H; plus strand). Cytogenetic location: 1q31.3.
Variant type: single nucleotide variant.
Coding change: c.3288G>A on transcript NM_000186.4 (MANE Select); coding-DNA position 3288, G replaced by A.
Protein change: p.Trp1096Ter; replaces tryptophan 1096 with a stop codon.
Molecular consequence: nonsense.
Genome position (GRCh38, 1-based): chr1:196,743,606, G>A. VCF-style: chr1-196743606-G-A. GRCh37 (hg19) VCF-style: chr1-196712736-G-A.
Other names: short protein forms W1096*.
Identifiers: ClinVar variation 4291554 (VCV004291554.1).
Genomic context (GRCh38, chr1:196,743,606, plus strand): 5'-ATGTAGGAGCCCTTATGAAATGTTTGGGGATGAAGAAGTGATGTGTTTAAATGGAAACTG[G>A]ACGGAACCACCTCAATGCAAAGGTAGAGTATTATATTTCTTTTAACATTTTGGGGGAGTA-3'